The following is an entry in ClinVar:

NM_032409.3(PINK1):c.378G>T (p.Gln126His)

Gene: PINK1 (PTEN induced kinase 1; plus strand). Cytogenetic location: 1p36.12.
Variant type: single nucleotide variant.
Coding change: c.378G>T on transcript NM_032409.3 (MANE Select); coding-DNA position 378, G replaced by T.
Protein change: p.Gln126His; replaces glutamine 126 with histidine.
Molecular consequence: missense variant.
Genome position (GRCh38, 1-based): chr1:20,633,926, G>T. VCF-style: chr1-20633926-G-T. GRCh37 (hg19) VCF-style: chr1-20960419-G-T.
Other names: short protein forms Q126H.
Identifiers: ClinVar variation 4538768 (VCV004538768.1).

ClinVar aggregate classification (germline): Uncertain significance (1 of 4 stars; one submission).

Submission:

GeneDx
Classification: Uncertain significance. Last evaluated: 2025-06-17. Review status: criteria provided, single submitter. Criteria: GeneDx Variant Classification Process June 2021. Collection method: clinical testing. Allele origin: germline. Affected: yes.
Comment: Not observed at significant frequency in large population cohorts (gnomAD); In silico analysis suggests that this missense variant does not alter protein structure/function; Has not been previously published as pathogenic or benign to our knowledge